The following is an entry in ClinVar:

ClinVar aggregate classification (germline): Uncertain significance (1 of 4 stars; one submission).

Allele frequency attached by ClinVar (database versions not stated): TOPMed 0.00001; ExAC 0.00002; gnomAD 0.00002 and 0.00003; gnomAD exomes 0.00004; 1000 Genomes Project 0.00020; 1000 Genomes Project 30x 0.00031.
gnomAD v4.1: 30 of 1,614,208 alleles (0.0019%); highest among the groups gnomAD compares: Middle Eastern, 0.016%; no homozygotes.

Submission:

Labcorp Genetics (formerly Invitae), Labcorp
Classification: Uncertain significance. Last evaluated: 2021-10-21. Review status: criteria provided, single submitter. Criteria: Invitae Variant Classification Sherloc (09022015). Collection method: clinical testing. Allele origin: germline.
Comment: This sequence change replaces arginine with glutamine at codon 498 of the C8A protein (p.Arg498Gln). The arginine residue is highly conserved and there is a small physicochemical difference between arginine and glutamine. This variant is present in population databases (rs559111946, ExAC 0.02%). This variant has not been reported in the literature in individuals affected with C8A-related conditions. Algorithms developed to predict the effect of missense changes on protein structure and function (SIFT, PolyPhen-2, Align-GVGD) all suggest that this variant is likely to be disruptive. In summary, the available evidence is currently insufficient to determine the role of this variant in disease. Therefore, it has been classified as a Variant of Uncertain Significance.

NM_000562.3(C8A):c.1493G>A (p.Arg498Gln)

Gene: C8A (complement C8 alpha chain; plus strand). Cytogenetic location: 1p32.2.
Variant type: single nucleotide variant.
Coding change: c.1493G>A on transcript NM_000562.3 (MANE Select); coding-DNA position 1493, G replaced by A.
Protein change: p.Arg498Gln; replaces arginine 498 with glutamine.
Molecular consequence: missense variant.
Genome position (GRCh38, 1-based): chr1:56,912,515, G>A. VCF-style: chr1-56912515-G-A. GRCh37 (hg19) VCF-style: chr1-57378188-G-A.
Other names: short protein forms R498Q.
Identifiers: ClinVar variation 1467625 (VCV001467625.3), dbSNP rs559111946, ClinGen allele CA875409.